The following is an entry in ClinVar:

NM_004104.5(FASN):c.1464C>T (p.Gly488=)

Gene: FASN (fatty acid synthase; minus strand). Cytogenetic location: 17q25.3.
Variant type: single nucleotide variant.
Coding change: c.1464C>T on transcript NM_004104.5 (MANE Select); coding-DNA position 1464, C replaced by T.
Protein change: p.Gly488=; no amino-acid change (glycine 488 retained).
Molecular consequence: synonymous variant.
Genome position (GRCh38, 1-based): chr17:82,091,250, G>A on the plus strand (C>T on the coding strand, the complement: FASN is on the minus strand). VCF-style: chr17-82091250-G-A. GRCh37 (hg19) VCF-style: chr17-80049126-G-A.
Identifiers: ClinVar variation 947333 (VCV000947333.10), dbSNP rs757084318, ClinGen allele CA8853161.

ClinVar aggregate classification (germline): Uncertain significance. Review status: criteria provided, multiple submitters, no conflicts (2 of 4 stars). 2 submissions from 2 submitters: Uncertain significance (2). Last evaluated 2025-02-19.

Conditions:
Epileptic encephalopathy. Identifiers: MedGen C0543888, HP:0200134.

Allele frequency attached by ClinVar (database versions not stated): ExAC 0.00001; gnomAD exomes 0.00001; gnomAD 0.00002; TOPMed 0.00003.
gnomAD v4.1: 76 of 1,600,468 alleles (0.0047%); highest among the groups gnomAD compares: East Asian, 0.0067%; no homozygotes.

Submissions (2):

Labcorp Genetics (formerly Invitae), Labcorp
Classification: Uncertain significance for Epileptic encephalopathy. Last evaluated: 2025-02-19. Review status: criteria provided, single submitter. Criteria: Invitae Variant Classification Sherloc (09022015). Collection method: clinical testing. Allele origin: germline.
Comment: This sequence change affects codon 488 of the FASN mRNA. It is a 'silent' change, meaning that it does not change the encoded amino acid sequence of the FASN protein. The frequency data for this variant in the population databases is considered unreliable, as metrics indicate poor data quality at this position in the gnomAD database. This variant has not been reported in the literature in individuals affected with FASN-related conditions. ClinVar contains an entry for this variant (Variation ID: 947333). Algorithms developed to predict the effect of sequence changes on RNA splicing suggest that this variant may create or strengthen a splice site. In summary, the available evidence is currently insufficient to determine the role of this variant in disease. Therefore, it has been classified as a Variant of Uncertain Significance.

Breakthrough Genomics
Classification: Uncertain significance. Review status: criteria provided, single submitter. Criteria: ACMG Guidelines, 2015. Collection method: not provided. Allele origin: germline. Inheritance: Unknown mechanism. Affected: yes.